The following is an entry in ClinVar:

NM_001267550.2(TTN):c.34769A>G (p.Glu11590Gly)

Gene: TTN (titin; minus strand). Cytogenetic location: 2q31.2.
Variant type: single nucleotide variant.
Coding change: c.34769A>G on transcript NM_001267550.2 (MANE Select); coding-DNA position 34769, A replaced by G.
Protein change: p.Glu11590Gly; replaces glutamic acid 11590 with glycine.
Molecular consequence: missense variant. On other transcripts: intron variant (3).
Genome position (GRCh38, 1-based): chr2:178,673,650, T>C on the plus strand (A>G on the coding strand, the complement: TTN is on the minus strand). VCF-style: chr2-178673650-T-C. GRCh37 (hg19) VCF-style: chr2-179538377-T-C.
Other names: p.E11216G:GAG>GGG; c.33647A>G, p.Glu11216Gly (NM_001256850.1); c.30866A>G, p.Glu10289Gly (NM_133378.4); c.13283-31333A>G (NM_003319.4); c.13859-31333A>G (NM_133437.4); c.13658-31333A>G (NM_133432.3); short protein forms E11590G, E10289G, E11216G.
Identifiers: ClinVar variation 46906 (VCV000046906.40), dbSNP rs201167067, ClinGen allele CA139480.

ClinVar aggregate classification (germline): Benign/Likely benign. Review status: criteria provided, multiple submitters, no conflicts (2 of 4 stars). 16 submissions from 13 submitters: Benign (10); Likely benign (5). 1 of the submissions does not count toward it. Last evaluated 2026-02-01.

Conditions:
Dilated cardiomyopathy 1G (CMD1G). Identifiers: Orphanet 154, MedGen C1858763, MONDO:0011400, OMIM 604145.
Autosomal recessive limb-girdle muscular dystrophy type 2J (LGMDR10). Also called: MUSCULAR DYSTROPHY, LIMB-GIRDLE, AUTOSOMAL RECESSIVE 10; Limb-girdle muscular dystrophy, type 2J. Identifiers: Orphanet 140922, MedGen C1837342, MONDO:0012127, OMIM 608807.
TTN-related disorder. Also called: TTN-related disorders; TTN-related condition; TTN-related disease.
Early-onset myopathy with fatal cardiomyopathy (CMYO5). Also called: CONGENITAL MYOPATHY 5 WITH CARDIOMYOPATHY; Salih Myopathy. Identifiers: Orphanet 289377, MedGen C2673677, MONDO:0012714, OMIM 611705. Disease mechanism: loss of function.
Hypertrophic cardiomyopathy 9. Also called: Familial hypertrophic cardiomyopathy 9. Identifiers: MedGen C1861065, MONDO:0013412, OMIM 613765.
Tibial muscular dystrophy (TMD). Also called: Udd Distal Myopathy – Tibial Muscular Dystrophy; Tibial muscular dystrophy, tardive; UDD MYOPATHY. Identifiers: Orphanet 609, MedGen C1838244, MONDO:0010870, OMIM 600334.
Myopathy, myofibrillar, 9, with early respiratory failure (MFM9). Also called: Myopathy, distal, with early respiratory failure, autosomal dominant; Hereditary myopathy with early respiratory failure; MYOPATHY, PROXIMAL, WITH EARLY RESPIRATORY MUSCLE INVOLVEMENT; EDSTROM MYOPATHY. Identifiers: Orphanet 178464, Orphanet 34521, MedGen C1863599, MONDO:0011362, OMIM 603689.
Cardiomyopathy (CMYO). Also called: Cardiomyopathies. Identifiers: Orphanet 167848, MedGen C0878544, MONDO:0004994, HP:0001638. Inheritance: Various modes of inheritance.

Allele frequency attached by ClinVar (database versions not stated): ExAC 0.00059; gnomAD exomes 0.00017 and 0.00039; gnomAD 0.00192 and 0.00174; 1000 Genomes Project 30x 0.00344; ESP Exome Variant Server 0.00144; TOPMed 0.00206; 1000 Genomes Project 0.00260.
gnomAD v4.1: 524 of 1,594,808 alleles (0.033%); highest among the groups gnomAD compares: African/African-American, 0.65%; no homozygotes.

Submissions (17):

Labcorp Genetics (formerly Invitae), Labcorp
Classification: Benign for Dilated cardiomyopathy 1G; Autosomal recessive limb-girdle muscular dystrophy type 2J. Last evaluated: 2026-02-01. Review status: criteria provided, single submitter. Criteria: Invitae Variant Classification Sherloc (09022015). Collection method: clinical testing. Allele origin: germline.

ARUP Laboratories, Molecular Genetics and Genomics, ARUP Laboratories
Classification: Likely benign. Last evaluated: 2025-05-20. Review status: criteria provided, single submitter. Criteria: ARUP Molecular Germline Variant Investigation Process 2024. Collection method: clinical testing. Allele origin: germline.

Molecular Diagnostic Laboratory for Inherited Cardiovascular Disease, Montreal Heart Institute
Classification: Likely benign. Last evaluated: 2025-04-09. Review status: criteria provided, single submitter. Criteria: ACMG Guidelines, 2015. Collection method: clinical testing. Allele origin: germline. Affected: no.

Blueprint Genetics
Classification: Likely benign. Last evaluated: 2024-11-06. Review status: criteria provided, single submitter. Criteria: ACMG Guidelines, 2015. Collection method: clinical testing. Allele origin: germline.

CHEO Genetics Diagnostic Laboratory, Children's Hospital of Eastern Ontario
Classification: Benign for Cardiomyopathy. Last evaluated: 2022-12-12. Review status: criteria provided, single submitter. Criteria: ACMG Guidelines, 2015. Collection method: clinical testing. Allele origin: germline.

Women's Health and Genetics/Laboratory Corporation of America, LabCorp
Classification: Benign. Last evaluated: 2022-05-09. Review status: criteria provided, single submitter. Criteria: LabCorp Variant Classification Summary - May 2015. Collection method: clinical testing. Allele origin: germline.
Comment: Variant summary: TTN c.30866A>G (p.Glu10289Gly) results in a non-conservative amino acid change located in the I-band region of the encoded protein sequence. Two of four in-silico tools predict a benign effect of the variant on protein function. The variant allele was found at a frequency of 0.00039 in 235532 control chromosomes, predominantly at a frequency of 0.0058 within the African or African-American subpopulation in the gnomAD database, including 1 homozygotes. The observed variant frequency within African or African-American control individuals in the gnomAD database is approximately 15 fold of the estimated maximal expected allele frequency for a pathogenic variant in TTN causing Dilated Cardiomyopathy phenotype (0.00039), strongly suggesting that the variant is a benign polymorphism found primarily in populations of African or African-American origin. To our knowledge, no occurrence of c.30866A>G in individuals affected with Dilated Cardiomyopathy and no experimental evidence demonstrating its impact on protein function have been reported. Six clinical diagnostic laboratories have submitted clinical-significance assessments for this variant to ClinVar after 2014 without evidence for independent evaluation. All laboratories classified the variant as benign/likely benign. Based on the evidence outlined above, the variant was classified as benign.

Fulgent Genetics
Classification: Likely benign for Tibial muscular dystrophy; Myopathy, myofibrillar, 9, with early respiratory failure; Dilated cardiomyopathy 1G; Autosomal recessive limb-girdle muscular dystrophy type 2J; Early-onset myopathy with fatal cardiomyopathy; Hypertrophic cardiomyopathy 9. Last evaluated: 2021-09-16. Review status: criteria provided, single submitter. Criteria: ACMG Guidelines, 2015. Collection method: clinical testing. Allele origin: unknown.

Genome-Nilou Lab
Classification: Benign for Autosomal recessive limb-girdle muscular dystrophy type 2J. Last evaluated: 2021-09-10. Review status: criteria provided, single submitter. Criteria: ACMG Guidelines, 2015. Collection method: clinical testing. Allele origin: germline. Affected: no.

Genome-Nilou Lab
Classification: Benign for Myopathy, myofibrillar, 9, with early respiratory failure. Last evaluated: 2021-09-10. Review status: criteria provided, single submitter. Criteria: ACMG Guidelines, 2015. Collection method: clinical testing. Allele origin: germline. Affected: no.

Genome-Nilou Lab
Classification: Benign for Early-onset myopathy with fatal cardiomyopathy. Last evaluated: 2021-09-10. Review status: criteria provided, single submitter. Criteria: ACMG Guidelines, 2015. Collection method: clinical testing. Allele origin: germline. Affected: no.

Genome-Nilou Lab
Classification: Benign for Tibial muscular dystrophy. Last evaluated: 2021-09-10. Review status: criteria provided, single submitter. Criteria: ACMG Guidelines, 2015. Collection method: clinical testing. Allele origin: germline. Affected: no.

Athena Diagnostics
Classification: Benign. Last evaluated: 2018-12-27. Review status: criteria provided, single submitter. Criteria: Athena Diagnostics Criteria. Collection method: clinical testing. Allele origin: germline.

Eurofins Ntd Llc (ga)
Classification: Benign. Last evaluated: 2016-08-01. Review status: criteria provided, single submitter. Criteria: EGL Classification Definitions 2015. Collection method: clinical testing. Allele origin: germline. Observed: 2 variant alleles, 2 heterozygotes.

GeneDx
Classification: Benign. Last evaluated: 2015-10-29. Review status: criteria provided, single submitter. Criteria: GeneDx Variant Classification (06012015). Collection method: clinical testing. Allele origin: germline. Affected: yes.
Comment: This variant is considered likely benign or benign based on one or more of the following criteria: it is a conservative change, it occurs at a poorly conserved position in the protein, it is predicted to be benign by multiple in silico algorithms, and/or has population frequency not consistent with disease.

Laboratory for Molecular Medicine, Mass General Brigham Personalized Medicine
Classification: Likely benign. Last evaluated: 2012-04-11. Review status: criteria provided, single submitter. Criteria: LMM Criteria. Collection method: clinical testing. Allele origin: germline. Observed: 3 variant alleles.
Comment: Glu10289Gly in exon 147 of TTN: This variant is not expected to have clinical si gnificance because it has been identified in 0.4% (13/2934) of African American chromosomes from a broad population by the NHLBI Exome Sequencing Project Glu10289Gly in exon 147 of TTN (allele frequenc y = 0.4%, 13/2934) **

PreventionGenetics, part of Exact Sciences
Classification: Likely benign for TTN-related condition. Last evaluated: 2024-07-18. Review status: no assertion criteria provided. Collection method: clinical testing. Allele origin: germline. Not counted in ClinVar's aggregate classification.
Comment: This variant is classified as likely benign based on ACMG/AMP sequence variant interpretation guidelines (Richards et al. 2015 PMID: 25741868, with internal and published modifications).

Dr. Peter K. Rogan Lab, Western University
No classification provided (evidence only). Condition: Acute myeloid leukemia. Review status: no classification provided. Collection method: in vitro. Allele origin: not applicable. Functional consequence: retained intron. Not counted in ClinVar's aggregate classification.